The following is an entry in ClinVar:

NM_020779.4(WDR35):c.3190G>A (p.Ala1064Thr)

Gene: WDR35 (WD repeat domain 35; minus strand). Cytogenetic location: 2p24.1.
Variant type: single nucleotide variant.
Coding change: c.3190G>A on transcript NM_020779.4 (MANE Select); coding-DNA position 3190, G replaced by A.
Protein change: p.Ala1064Thr; replaces alanine 1064 with threonine.
Molecular consequence: missense variant.
Genome position (GRCh38, 1-based): chr2:19,914,209, C>T on the plus strand (G>A on the coding strand, the complement: WDR35 is on the minus strand). VCF-style: chr2-19914209-C-T. GRCh37 (hg19) VCF-style: chr2-20113970-C-T.
Other names: c.3223G>A, p.Ala1075Thr (NM_001006657.2); c.3223G>A (NM_001006657.1); short protein forms A1064T, A1075T.
Identifiers: ClinVar variation 1402248 (VCV001402248.6), dbSNP rs759338583, ClinGen allele CA1542724.

ClinVar aggregate classification (germline): Uncertain significance. Review status: criteria provided, multiple submitters, no conflicts (2 of 4 stars). 4 submissions from 4 submitters: Uncertain significance (4). Last evaluated 2025-09-25.

Conditions:
Cranioectodermal dysplasia 2 (CED2). Identifiers: Orphanet 1515, MedGen C3150874, MONDO:0013323, OMIM 613610.
Short-rib thoracic dysplasia 7 with or without polydactyly (SRTD7). Also called: Short rib polydactyly syndrome 5; SHORT-RIB THORACIC DYSPLASIA 7 WITH POLYDACTYLY. Identifiers: Orphanet 498497, Orphanet 93271, MedGen C3279792, MONDO:0013569, OMIM 614091.
Inborn genetic diseases. Identifiers: MedGen C0950123, MeSH D030342.

Allele frequency attached by ClinVar (database versions not stated): gnomAD 0.00001; TOPMed 0.00002; ExAC 0.00004.
gnomAD v4.1: 19 of 1,613,934 alleles (0.0012%); highest among the groups gnomAD compares: Admixed American, 0.013%; no homozygotes.

Submissions (4):

Ambry Genetics
Classification: Uncertain significance for Inborn genetic diseases. Last evaluated: 2025-09-25. Review status: criteria provided, single submitter. Criteria: Ambry Variant Classification Scheme 2023. Collection method: clinical testing. Allele origin: germline.

GeneDx
Classification: Uncertain significance. Last evaluated: 2025-02-21. Review status: criteria provided, single submitter. Criteria: GeneDx Variant Classification Process June 2021. Collection method: clinical testing. Allele origin: germline. Affected: yes.
Comment: In silico analysis indicates that this missense variant does not alter protein structure/function; Has not been previously published as pathogenic or benign to our knowledge

Fulgent Genetics
Classification: Uncertain significance for Cranioectodermal dysplasia 2; Short-rib thoracic dysplasia 7 with or without polydactyly. Last evaluated: 2024-02-07. Review status: criteria provided, single submitter. Criteria: ACMG Guidelines, 2015. Collection method: clinical testing. Allele origin: germline.

Labcorp Genetics (formerly Invitae), Labcorp
Classification: Uncertain significance for Cranioectodermal dysplasia 2; Short-rib thoracic dysplasia 7 with or without polydactyly. Last evaluated: 2021-08-02. Review status: criteria provided, single submitter. Criteria: Invitae Variant Classification Sherloc (09022015). Collection method: clinical testing. Allele origin: germline.
Comment: This sequence change replaces alanine with threonine at codon 1075 of the WDR35 protein (p.Ala1075Thr). The alanine residue is moderately conserved and there is a small physicochemical difference between alanine and threonine. This variant is present in population databases (rs759338583, ExAC 0.009%). This variant has not been reported in the literature in individuals affected with WDR35-related conditions. Algorithms developed to predict the effect of missense changes on protein structure and function are either unavailable or do not agree on the potential impact of this missense change (SIFT: "Deleterious"; PolyPhen-2: "Benign"; Align-GVGD: "Class C0"). In summary, the available evidence is currently insufficient to determine the role of this variant in disease. Therefore, it has been classified as a Variant of Uncertain Significance.